The following is an entry in ClinVar:

NM_001035521.3(GTF3C2):c.1329C>A (p.Gly443=)

Genes: GTF3C2 (general transcription factor IIIC subunit 2; minus strand), GTF3C2-AS1 (GTF3C2 antisense RNA 1; plus strand). Cytogenetic location: 2p23.3.
Variant type: single nucleotide variant.
Coding change: c.1329C>A on transcript NM_001035521.3 (MANE Select); coding-DNA position 1329, C replaced by A.
Protein change: p.Gly443=; no amino-acid change (glycine 443 retained).
Molecular consequence: synonymous variant. On other transcripts: intron variant (1).
Genome position (GRCh38, 1-based): chr2:27,336,224, G>T on the plus strand (C>A on the coding strand, the complement: GTF3C2 is on the minus strand). VCF-style: chr2-27336224-G-T. GRCh37 (hg19) VCF-style: chr2-27559091-G-T.
Other names: c.1329C>A, p.Gly443= (NM_001318909.4, NM_001388380.3, NM_001394503.1 and 11 more transcripts); c.1251C>A, p.Gly417= (NM_001394514.1); c.1128-196C>A (NM_001394516.1).
Identifiers: ClinVar variation 2650766 (VCV002650766.24), dbSNP rs1680471226, ClinGen allele CA425394301.

ClinVar aggregate classification (germline): Likely benign (1 of 4 stars; one submission).

Allele frequency attached by ClinVar (database versions not stated): TOPMed below 0.00001.

Submission:

CeGaT Center for Human Genetics Tuebingen
Classification: Likely benign. Last evaluated: 2022-06-01. Review status: criteria provided, single submitter. Criteria: CeGaT Center For Human Genetics Tuebingen Variant Classification Criteria Version 2. Collection method: clinical testing. Allele origin: germline. Affected: yes. Observed: 1 variant allele.
Comment: GTF3C2: PM2:Supporting, BP4, BP7